The following is an entry in ClinVar:

NM_001195263.2(PDZD7):c.1237T>G (p.Ser413Ala)

Gene: PDZD7 (PDZ domain containing 7; minus strand). Cytogenetic location: 10q24.31.
Variant type: single nucleotide variant.
Coding change: c.1237T>G on transcript NM_001195263.2 (MANE Select); coding-DNA position 1237, T replaced by G.
Protein change: p.Ser413Ala; replaces serine 413 with alanine.
Molecular consequence: missense variant.
Genome position (GRCh38, 1-based): chr10:101,018,909, A>C on the plus strand (T>G on the coding strand, the complement: PDZD7 is on the minus strand). VCF-style: chr10-101018909-A-C. GRCh37 (hg19) VCF-style: chr10-102778666-A-C.
Other names: c.1237T>G, p.Ser413Ala (NM_001351044.2, NM_024895.5); short protein forms S413A.
Identifiers: ClinVar variation 1998431 (VCV001998431.4), dbSNP rs1326132803, ClinGen allele CA378228476.

ClinVar aggregate classification (germline): Uncertain significance (1 of 4 stars; one submission).

Allele frequency attached by ClinVar (database versions not stated): TOPMed below 0.00001.

Submission:

Labcorp Genetics (formerly Invitae), Labcorp
Classification: Uncertain significance. Last evaluated: 2022-05-25. Review status: criteria provided, single submitter. Criteria: Invitae Variant Classification Sherloc (09022015). Collection method: clinical testing. Allele origin: germline.
Comment: In summary, the available evidence is currently insufficient to determine the role of this variant in disease. Therefore, it has been classified as a Variant of Uncertain Significance. Algorithms developed to predict the effect of missense changes on protein structure and function are either unavailable or do not agree on the potential impact of this missense change (SIFT: "Tolerated"; PolyPhen-2: "Not Available"; Align-GVGD: "Class C0"). This variant has not been reported in the literature in individuals affected with PDZD7-related conditions. This variant is not present in population databases (gnomAD no frequency). This sequence change replaces serine, which is neutral and polar, with alanine, which is neutral and non-polar, at codon 413 of the PDZD7 protein (p.Ser413Ala).